The following is an entry in ClinVar:

ClinVar aggregate classification (germline): Uncertain significance (1 of 4 stars; one submission).

Allele frequency attached by ClinVar (database versions not stated): gnomAD exomes below 0.00001; ExAC 0.00001.

Submission:

Labcorp Genetics (formerly Invitae), Labcorp
Classification: Uncertain significance. Last evaluated: 2022-04-18. Review status: criteria provided, single submitter. Criteria: Invitae Variant Classification Sherloc (09022015). Collection method: clinical testing. Allele origin: germline.
Comment: In summary, the available evidence is currently insufficient to determine the role of this variant in disease. Therefore, it has been classified as a Variant of Uncertain Significance. Algorithms developed to predict the effect of missense changes on protein structure and function (SIFT, PolyPhen-2, Align-GVGD) all suggest that this variant is likely to be tolerated. This variant has not been reported in the literature in individuals affected with IL6R-related conditions. This variant is present in population databases (rs779555183, gnomAD 0.003%). This sequence change replaces asparagine, which is neutral and polar, with serine, which is neutral and polar, at codon 55 of the IL6R protein (p.Asn55Ser).

NM_000565.4(IL6R):c.164A>G (p.Asn55Ser)

Gene: IL6R (interleukin 6 receptor; plus strand). Cytogenetic location: 1q21.3.
Variant type: single nucleotide variant.
Coding change: c.164A>G on transcript NM_000565.4 (MANE Select); coding-DNA position 164, A replaced by G.
Protein change: p.Asn55Ser; replaces asparagine 55 with serine.
Molecular consequence: missense variant. On other transcripts: intron variant (1).
Genome position (GRCh38, 1-based): chr1:154,429,274, A>G. VCF-style: chr1-154429274-A-G. GRCh37 (hg19) VCF-style: chr1-154401750-A-G.
Other names: c.164A>G, p.Asn55Ser (NM_001206866.2, NM_001382769.1, NM_001382770.1 and 4 more transcripts); c.126+38A>G (NM_001382774.1); short protein forms N55S.
Identifiers: ClinVar variation 1976168 (VCV001976168.5), dbSNP rs779555183, ClinGen allele CA1128933.